The following is an entry in ClinVar:

NM_000043.6(FAS):c.568+5G>C

Gene: FAS (Fas cell surface death receptor; plus strand). Cytogenetic location: 10q23.31.
Variant type: single nucleotide variant.
Coding change: c.568+5G>C on transcript NM_000043.6 (MANE Select); 5 bases into the intron after coding-DNA position 568, G replaced by C.
Molecular consequence: intron variant.
Genome position (GRCh38, 1-based): chr10:89,010,820, G>C. VCF-style: chr10-89010820-G-C. GRCh37 (hg19) VCF-style: chr10-90770577-G-C.
Other names: c.568+5G>C (NM_152872.4, NM_001320619.2); c.505+220G>C (NM_152871.4).
Identifiers: ClinVar variation 2122093 (VCV002122093.4), dbSNP rs2495163461, ClinGen allele CA2580082331.

ClinVar aggregate classification (germline): Uncertain significance (1 of 4 stars; one submission).

Conditions:
Autoimmune lymphoproliferative syndrome type 1. Also called: AUTOIMMUNE LYMPHOPROLIFERATIVE SYNDROME, TYPE I, AUTOSOMAL DOMINANT. Identifiers: Orphanet 3261, MedGen C2717884, MONDO:0011158, OMIM 601859.

Submission:

Labcorp Genetics (formerly Invitae), Labcorp
Classification: Uncertain significance for Autoimmune lymphoproliferative syndrome. Last evaluated: 2022-05-21. Review status: criteria provided, single submitter. Criteria: Invitae Variant Classification Sherloc (09022015). Collection method: clinical testing. Allele origin: germline.
Comment: This sequence change falls in intron 6 of the FAS gene. It does not directly change the encoded amino acid sequence of the FAS protein. It affects a nucleotide within the consensus splice site. This variant is not present in population databases (gnomAD no frequency). In summary, the available evidence is currently insufficient to determine the role of this variant in disease. Therefore, it has been classified as a Variant of Uncertain Significance. Variants that disrupt the consensus splice site are a relatively common cause of aberrant splicing (PMID: 17576681, 9536098). Algorithms developed to predict the effect of sequence changes on RNA splicing suggest that this variant may disrupt the consensus splice site. This variant has not been reported in the literature in individuals affected with FAS-related conditions.

Literature cited by the submitters: PubMed 17576681; PubMed 9536098.